The following is an entry in ClinVar:

NM_000458.4(HNF1B):c.1408C>T (p.Gln470Ter)

Gene: HNF1B (HNF1 homeobox B; minus strand). Cytogenetic location: 17q12.
Variant type: single nucleotide variant.
Coding change: c.1408C>T on transcript NM_000458.4 (MANE Select); coding-DNA position 1408, C replaced by T.
Protein change: p.Gln470Ter; replaces glutamine 470 with a stop codon.
Molecular consequence: nonsense. On other transcripts: intron variant (1).
Genome position (GRCh38, 1-based): chr17:37,701,109, G>A on the plus strand (C>T on the coding strand, the complement: HNF1B is on the minus strand). VCF-style: chr17-37701109-G-A. GRCh37 (hg19) VCF-style: chr17-36061114-G-A.
Other names: c.1330C>T, p.Gln444Ter (NM_001165923.4); c.1261+3808C>T (NM_001304286.2); short protein forms Q470*, Q444*.
Identifiers: ClinVar variation 635585 (VCV000635585.1), dbSNP rs2511700701, ClinGen allele CA398755701.

ClinVar aggregate classification (germline): Pathogenic (1 of 4 stars; one submission).

Conditions:
Renal cysts and diabetes syndrome (RCAD). Also called: Familial hypoplastic, glomerulocystic kidney; MATURITY-ONSET DIABETES OF THE YOUNG, TYPE 5. Identifiers: Orphanet 93111, MedGen C0431693, MONDO:0007669, OMIM 137920.

Submission:

Institute of Human Genetics, FAU Erlangen, Friedrich-Alexander-Universität Erlangen-Nürnberg
Classification: Pathogenic for Renal cysts and diabetes syndrome. Last evaluated: 2019-07-06. Review status: criteria provided, single submitter. Criteria: ACMG Guidelines, 2015. Collection method: literature only. Allele origin: germline. Affected: yes.
Comment: This variant and it's classification has been reported by Vasileiou et al. 2019; DOI:10.1101/576918. The variants has previously been reported in PMID:25700310; PMID:15930087; PMID:25536396 as "c.1408C>T, c.1602C>T" with clinical significance Pathogenic. It has been re-classified using InterVar and manual curation as Pathogenic based on PVS1 PM2 PP3.

Literature cited by the submitters: PubMed 25700310; PubMed 15930087; PubMed 25536396; DOI 10.1101/576918.